The following is an entry in ClinVar:

NM_001042492.3(NF1):c.2111del (p.Leu704fs)

Gene: NF1 (neurofibromin 1; plus strand). Cytogenetic location: 17q11.2.
Variant type: Deletion.
Coding change: c.2111del on transcript NM_001042492.3 (MANE Select); coding-DNA position 2111, one base deleted (T; older notation c.2111delT).
Protein change: p.Leu704fs; shifts the reading frame from leucine 704.
Molecular consequence: frameshift variant.
Genome position (GRCh38, 1-based): chr17:31,226,544, T deleted. VCF-style (leftmost placement, unchanged base first): chr17-31226543-CT-C. GRCh37 (hg19) VCF-style: chr17-29553561-CT-C.
Other names: c.2111delT, p.Leu704Argfs (NM_000267.4); short protein forms L704fs.
Identifiers: ClinVar variation 1069088 (VCV001069088.5), dbSNP rs2151425802, ClinGen allele CA2499224044.

ClinVar aggregate classification (germline): Pathogenic (1 of 4 stars; one submission).

Conditions:
Neurofibromatosis, type 1 (NF1). Also called: VON RECKLINGHAUSEN DISEASE; Peripheral type neurofibromatosis; NEUROFIBROMATOSIS, TYPE I, SOMATIC; Neurofibromatosis, type I. Identifiers: Orphanet 636, MedGen C0027831, MONDO:0018975, OMIM 162200. Disease mechanism: loss of function.

Submission:

Labcorp Genetics (formerly Invitae), Labcorp
Classification: Pathogenic for Neurofibromatosis, type 1. Last evaluated: 2020-02-15. Review status: criteria provided, single submitter. Criteria: Invitae Variant Classification Sherloc (09022015). Collection method: clinical testing. Allele origin: germline.
Comment: This sequence change creates a premature translational stop signal (p.Leu704Argfs*44) in the NF1 gene. It is expected to result in an absent or disrupted protein product. This variant is not present in population databases (ExAC no frequency). This variant has not been reported in the literature in individuals with NF1-related conditions. Loss-of-function variants in NF1 are known to be pathogenic (PMID: 10712197, 23913538). For these reasons, this variant has been classified as Pathogenic.

Literature cited by the submitters: PubMed 10712197; PubMed 23913538.